The following is an entry in ClinVar:

ClinVar aggregate classification (germline): Uncertain significance. Review status: criteria provided, multiple submitters, no conflicts (2 of 4 stars). 2 submissions from 2 submitters: Uncertain significance (2). Last evaluated 2022-03-15.

Conditions:
Mucopolysaccharidosis, MPS-IV-A (MPS4A). Also called: Morquio syndrome A, mild; MORQUIO SYNDROME A; GALACTOSAMINE-6-SULFATASE DEFICIENCY; GALNS DEFICIENCY; MORQUIO A DISEASE; Mucopolysaccharidosis type IV A. Identifiers: Orphanet 309297, Orphanet 582, MedGen C0086651, MONDO:0009659, OMIM 253000.

Submissions (2):

Revvity Omics, Revvity
Classification: Uncertain significance for Mucopolysaccharidosis, MPS-IV-A. Last evaluated: 2022-03-15. Review status: criteria provided, single submitter. Criteria: ACMG Guidelines, 2015. Collection method: clinical testing. Allele origin: germline.

Labcorp Genetics (formerly Invitae), Labcorp
Classification: Uncertain significance for Mucopolysaccharidosis, MPS-IV-A. Last evaluated: 2021-07-25. Review status: criteria provided, single submitter. Criteria: Invitae Variant Classification Sherloc (09022015). Collection method: clinical testing. Allele origin: germline.
Comment: This sequence change replaces methionine with threonine at codon 494 of the GALNS protein (p.Met494Thr). The methionine residue is highly conserved and there is a moderate physicochemical difference between methionine and threonine. This variant is not present in population databases (ExAC no frequency). This variant has not been reported in the literature in individuals affected with GALNS-related conditions. Algorithms developed to predict the effect of missense changes on protein structure and function are either unavailable or do not agree on the potential impact of this missense change (SIFT: "Deleterious"; PolyPhen-2: "Possibly Damaging"; Align-GVGD: "Class C0"). This variant disrupts the p.Met494 amino acid residue in GALNS. Other variant(s) that disrupt this residue have been determined to be pathogenic (PMID: 9298823, 23876334; Invitae). This suggests that this residue is clinically significant, and that variants that disrupt this residue are likely to be disease-causing. In summary, the available evidence is currently insufficient to determine the role of this variant in disease. Therefore, it has been classified as a Variant of Uncertain Significance.

Literature cited by the submitters: PubMed 9298823 (cited by Labcorp Genetics (formerly Invitae), Labcorp); PubMed 23876334 (cited by Labcorp Genetics (formerly Invitae), Labcorp).

NM_000512.5(GALNS):c.1481T>C (p.Met494Thr)

Genes: GALNS (galactosamine (N-acetyl)-6-sulfatase; minus strand), LOC126862447 (CDK7 strongly-dependent group 2 enhancer GRCh37_chr16:88884193-88885392; plus strand). Cytogenetic location: 16q24.3.
Variant type: single nucleotide variant.
Coding change: c.1481T>C on transcript NM_000512.5 (MANE Select); coding-DNA position 1481, T replaced by C.
Protein change: p.Met494Thr; replaces methionine 494 with threonine.
Molecular consequence: missense variant.
Genome position (GRCh38, 1-based): chr16:88,818,008, A>G on the plus strand (T>C on the coding strand, the complement: GALNS is on the minus strand). VCF-style: chr16-88818008-A-G. GRCh37 (hg19) VCF-style: chr16-88884416-A-G.
Other names: c.926T>C, p.Met309Thr (NM_001323543.2); c.1499T>C, p.Met500Thr (NM_001323544.2); short protein forms M494T, M500T, M309T.
Identifiers: ClinVar variation 1369626 (VCV001369626.10), dbSNP rs2142982062, ClinGen allele CA397094045.